The following is an entry in ClinVar:

ClinVar aggregate classification (germline): Uncertain significance (1 of 4 stars; one submission).

Conditions:
Ataxia-telangiectasia syndrome (AT). Also called: Ataxia-telangiectasia, complementation group D; ATAXIA-TELANGIECTASIA, COMPLEMENTATION GROUP A; ATAXIA-TELANGIECTASIA, FRESNO VARIANT; Ataxia-telangiectasia, complementation group E; Cerebello-oculocutaneous telangiectasia; Immunodeficiency with ataxia telangiectasia. Identifiers: Orphanet 100, MedGen C0004135, MONDO:0008840, OMIM 208900.

Submission:

Labcorp Genetics (formerly Invitae), Labcorp
Classification: Uncertain significance for Ataxia-telangiectasia syndrome. Last evaluated: 2021-04-23. Review status: criteria provided, single submitter. Criteria: Invitae Variant Classification Sherloc (09022015). Collection method: clinical testing. Allele origin: germline.
Comment: This sequence change replaces asparagine with threonine at codon 504 of the ATM protein (p.Asn504Thr). The asparagine residue is weakly conserved and there is a small physicochemical difference between asparagine and threonine. This variant is not present in population databases (ExAC no frequency). This variant has not been reported in the literature in individuals with ATM-related conditions. Advanced modeling of protein sequence and biophysical properties (such as structural, functional, and spatial information, amino acid conservation, physicochemical variation, residue mobility, and thermodynamic stability) performed at Invitae indicates that this missense variant is not expected to disrupt ATM protein function. In summary, the available evidence is currently insufficient to determine the role of this variant in disease. Therefore, it has been classified as a Variant of Uncertain Significance.

NM_000051.4(ATM):c.1511A>C (p.Asn504Thr)

Gene: ATM (ATM serine/threonine kinase; plus strand). Cytogenetic location: 11q22.3.
Variant type: single nucleotide variant.
Coding change: c.1511A>C on transcript NM_000051.4 (MANE Select); coding-DNA position 1511, A replaced by C.
Protein change: p.Asn504Thr; replaces asparagine 504 with threonine.
Molecular consequence: missense variant.
Genome position (GRCh38, 1-based): chr11:108,250,976, A>C. VCF-style: chr11-108250976-A-C. GRCh37 (hg19) VCF-style: chr11-108121703-A-C.
Other names: c.1511A>C, p.Asn504Thr (NM_001351834.2); short protein forms N504T.
Identifiers: ClinVar variation 1347958 (VCV001347958.8), dbSNP rs56365018, ClinGen allele CA382534256.